The following is an entry in ClinVar:

NM_005188.4(CBL):c.694T>A (p.Cys232Ser)

Gene: CBL (Cbl proto-oncogene; plus strand). Cytogenetic location: 11q23.3.
Variant type: single nucleotide variant.
Coding change: c.694T>A on transcript NM_005188.4 (MANE Select); coding-DNA position 694, T replaced by A.
Protein change: p.Cys232Ser; replaces cysteine 232 with serine.
Molecular consequence: missense variant.
Genome position (GRCh38, 1-based): chr11:119,273,971, T>A. VCF-style: chr11-119273971-T-A. GRCh37 (hg19) VCF-style: chr11-119144681-T-A.
Other names: short protein forms C232S.
Identifiers: ClinVar variation 4613873 (VCV004613873.1).
Genomic context (GRCh38, chr11:119,273,971, plus strand): 5'-GTGCATCCCATCAGTTCTGGGCTGGAGGCCATGGCTCTGAAATCCACTATTGATCTGACC[T>A]GCAATGATTATATTTCGGTTTTTGAATTTGACATCTTTACCCGACTCTTTCAGGTAGGAC-3'
Protein context (NP_005179.2, residues 222-242): MALKSTIDLT[Cys232Ser]NDYISVFEFD

ClinVar aggregate classification (germline): Uncertain significance (1 of 4 stars; one submission).

Conditions:
Cardiovascular phenotype. Identifiers: MedGen CN230736.

Submission:

Ambry Genetics
Classification: Uncertain significance for Cardiovascular phenotype. Last evaluated: 2025-11-15. Review status: criteria provided, single submitter. Criteria: Ambry Variant Classification Scheme 2023. Collection method: clinical testing. Allele origin: germline.
Comment: The p.C232S variant (also known as c.694T>A), located in coding exon 4 of the CBL gene, results from a T to A substitution at nucleotide position 694. The cysteine at codon 232 is replaced by serine, an amino acid with dissimilar properties. This amino acid position is conserved. In addition, this alteration is predicted to be deleterious by in silico analysis. Based on the available evidence, the clinical significance of this variant remains unclear.